The following is an entry in ClinVar:

NM_000540.3(RYR1):c.496G>A (p.Asp166Asn)

Gene: RYR1 (ryanodine receptor 1; plus strand). Cytogenetic location: 19q13.2.
Variant type: single nucleotide variant.
Coding change: c.496G>A on transcript NM_000540.3 (MANE Select); coding-DNA position 496, G replaced by A.
Protein change: p.Asp166Asn; replaces aspartic acid 166 with asparagine.
Molecular consequence: missense variant.
Genome position (GRCh38, 1-based): chr19:38,444,220, G>A. VCF-style: chr19-38444220-G-A. GRCh37 (hg19) VCF-style: chr19-38934860-G-A.
Other names: NM_000540.2(RYR1):c.496G>A; c.496G>A, p.Asp166Asn (NM_001042723.2); short protein forms D166N.
Identifiers: ClinVar variation 133140 (VCV000133140.5), dbSNP rs193922755, ClinGen allele CA024475.

ClinVar aggregate classification (germline): Uncertain significance. Review status: reviewed by expert panel (3 of 4 stars). 3 submissions from 3 submitters: Uncertain significance (1). 2 of the submissions do not count toward it. Last evaluated 2025-08-01.

Conditions:
Malignant hyperthermia, susceptibility to, 1 (MHS1). Also called: RYR1-Related Malignant Hyperthermia Susceptibility; Malignant hyperthermia suceptibility 1; Anesthesia related hyperthermia; Malignant hyperpyrexia; Fulminating hyperpyrexia; Pharmacogenic myopathy. Identifiers: Orphanet 423, MedGen C2930980, MONDO:0007783, OMIM 145600.

Allele frequency attached by ClinVar (database versions not stated): gnomAD exomes below 0.00001.
gnomAD v4.1: 1 of 1,614,094 alleles (0.000062%); highest among the groups gnomAD compares: Non-Finnish European, 0.000085%; no homozygotes.

Submissions (3):

ClinGen Malignant Hyperthermia Susceptibility Variant Curation Expert Panel, ClinGen
Classification: Uncertain significance for Malignant hyperthermia, susceptibility to, 1. Last evaluated: 2025-08-01. Review status: reviewed by expert panel. Criteria: ClinGen MHS ACMG Specifications V2. Collection method: curation. Allele origin: germline. Inheritance: Autosomal dominant inheritance. Study: ClinGen.
Comment: This pathogenicity assessment is relevant only for malignant hyperthermia susceptibility (MHS) inherited in an autosomal dominant pattern. Variants in RYR1 can also cause other myopathies inherited in an autosomal dominant pattern or in an autosomal recessive pattern. Some of these disorders may predispose individuals to malignant hyperthermia. RYR1 variants may also contribute to a malignant hyperthermia reaction in combination with other genetic and non-genetic factors and the clinician needs to consider such factors in making management decisions. This sequence variant predicts a substitution of aspartic acid with asparagine at codon 166 of the RYR1 protein, p.(Asp166Asn). This variant was not present in a large population database (gnomAD) at the time this variant was interpreted. This variant has been reported in two unrelated individuals who have a personal or family history of a malignant hyperthermia reaction, two of these individuals had a positive in vitro contracture test (IVCT) or caffeine halothane contracture test (CHCT) result (if the proband was unavailable for testing, a positive diagnostic test result in a mutation-positive relative was counted), PS4_Moderate (PMID:12059893, PMID:16163667). No functional studies were identified for this variant. This variant resides in a region of RYR1 considered to be a hotspot for pathogenic variants that contribute to MHS, PM1 (PMID: 21118704). A REVEL score of 0.826 supports neither a pathogenic nor a benign status for this variant. This variant has been classified as a Variant of Unknown Significance. Criteria implemented: PS4_Moderate, PM1.

Institute of Human Genetics, University of Leipzig Medical Center
Classification: Uncertain significance for Malignant hyperthermia, susceptibility to, 1. Last evaluated: 2025-05-20. Review status: criteria provided, single submitter. Criteria: ACMG Guidelines, 2015. Collection method: clinical testing. Allele origin: unknown. Inheritance: Autosomal dominant inheritance. Affected: yes. Not counted in ClinVar's aggregate classification.
Comment: Criteria applied: PM1,PS4_MOD

RYR1 database
No classification provided. Review status: no classification provided. Collection method: not provided. Allele origin: unknown. Not counted in ClinVar's aggregate classification.